The following is an entry in ClinVar:

ClinVar aggregate classification (germline): Uncertain significance (1 of 4 stars; one submission).

Submission:

GeneDx
Classification: Uncertain significance. Last evaluated: 2024-08-01. Review status: criteria provided, single submitter. Criteria: GeneDx Variant Classification Process June 2021. Collection method: clinical testing. Allele origin: germline. Affected: yes.
Comment: Not observed at significant frequency in large population cohorts (gnomAD); In silico analysis indicates that this missense variant does not alter protein structure/function; Has not been previously published as pathogenic or benign to our knowledge

NM_014244.5(ADAMTS2):c.3356T>A (p.Phe1119Tyr)

Gene: ADAMTS2 (ADAM metallopeptidase with thrombospondin type 1 motif 2; minus strand). Cytogenetic location: 5q35.3.
Variant type: single nucleotide variant.
Coding change: c.3356T>A on transcript NM_014244.5 (MANE Select); coding-DNA position 3356, T replaced by A.
Protein change: p.Phe1119Tyr; replaces phenylalanine 1119 with tyrosine.
Molecular consequence: missense variant.
Genome position (GRCh38, 1-based): chr5:179,114,147, A>T on the plus strand (T>A on the coding strand, the complement: ADAMTS2 is on the minus strand). VCF-style: chr5-179114147-A-T. GRCh37 (hg19) VCF-style: chr5-178541148-A-T.
Other names: short protein forms F1119Y.
Identifiers: ClinVar variation 3602142 (VCV003602142.1).